The following is an entry in ClinVar:

NM_170699.3(GPBAR1):c.934G>A (p.Gly312Ser)

Gene: GPBAR1 (G protein-coupled bile acid receptor 1; plus strand). Cytogenetic location: 2q35.
Variant type: single nucleotide variant.
Coding change: c.934G>A on transcript NM_170699.3 (MANE Select); coding-DNA position 934, G replaced by A.
Protein change: p.Gly312Ser; replaces glycine 312 with serine.
Molecular consequence: missense variant.
Genome position (GRCh38, 1-based): chr2:218,263,658, G>A. VCF-style: chr2-218263658-G-A. GRCh37 (hg19) VCF-style: chr2-219128381-G-A.
Other names: c.934G>A, p.Gly312Ser (NM_001077191.2, NM_001077194.2, NM_001321950.2); c.934G>A (NM_001321950.1, NM_001077191.1); short protein forms G312S.
Identifiers: ClinVar variation 598447 (VCV000598447.8), dbSNP rs199838633, ClinGen allele CA2102734.

ClinVar aggregate classification (germline): Uncertain significance. Review status: criteria provided, multiple submitters, no conflicts (2 of 4 stars). 3 submissions from 3 submitters: Uncertain significance (2). 1 of the submissions does not count toward it. Last evaluated 2024-12-03.

Conditions:
GPBAR1-related disorder. Also called: GPBAR1-related condition.

Allele frequency attached by ClinVar (database versions not stated): TOPMed 0.00006; gnomAD 0.00010; ExAC 0.00009; 1000 Genomes Project 0.00020; gnomAD exomes 0.00005.
gnomAD v4.1: 63 of 1,612,836 alleles (0.0039%); highest among the groups gnomAD compares: African/African-American, 0.028%; no homozygotes.

Submissions (3):

Ambry Genetics
Classification: Uncertain significance. Last evaluated: 2024-12-03. Review status: criteria provided, single submitter. Criteria: Ambry Variant Classification Scheme 2023. Collection method: clinical testing. Allele origin: germline.

Eurofins Ntd Llc (ga)
Classification: Uncertain significance. Last evaluated: 2018-08-16. Review status: criteria provided, single submitter. Criteria: EGL ClinVar v180209 classification definitions. Collection method: clinical testing. Allele origin: germline. Observed: 1 variant allele, 1 heterozygote.

PreventionGenetics, part of Exact Sciences
Classification: Uncertain significance for GPBAR1-related condition. Last evaluated: 2024-01-30. Review status: no assertion criteria provided. Collection method: clinical testing. Allele origin: germline. Not counted in ClinVar's aggregate classification.
Comment: The GPBAR1 c.934G>A variant is predicted to result in the amino acid substitution p.Gly312Ser. To our knowledge, this variant has not been reported in the literature. This variant is reported in 0.026% of alleles in individuals of African descent in gnomAD. At this time, the clinical significance of this variant is uncertain due to the absence of conclusive functional and genetic evidence.